The following is an entry in ClinVar:

NM_004958.4(MTOR):c.3601C>T (p.Arg1201Ter)

Gene: MTOR (mechanistic target of rapamycin kinase; minus strand). Cytogenetic location: 1p36.22.
Variant type: single nucleotide variant.
Coding change: c.3601C>T on transcript NM_004958.4 (MANE Select); coding-DNA position 3601, C replaced by T.
Protein change: p.Arg1201Ter; replaces arginine 1201 with a stop codon.
Molecular consequence: nonsense.
Genome position (GRCh38, 1-based): chr1:11,210,867, G>A on the plus strand (C>T on the coding strand, the complement: MTOR is on the minus strand). VCF-style: chr1-11210867-G-A. GRCh37 (hg19) VCF-style: chr1-11270924-G-A.
Other names: c.3601C>T, p.Arg1201Ter (NM_001386500.1); c.2353C>T, p.Arg785Ter (NM_001386501.1); short protein forms R1201*, R785*.
Identifiers: ClinVar variation 3627068 (VCV003627068.2).

ClinVar aggregate classification (germline): Uncertain significance (1 of 4 stars; one submission).

Submission:

Labcorp Genetics (formerly Invitae), Labcorp
Classification: Uncertain significance. Last evaluated: 2024-07-11. Review status: criteria provided, single submitter. Criteria: Invitae Variant Classification Sherloc (09022015). Collection method: clinical testing. Allele origin: germline.
Comment: This sequence change creates a premature translational stop signal (p.Arg1201*) in the MTOR gene. It is expected to result in an absent or disrupted protein product. However, the current clinical and genetic evidence is not sufficient to establish whether loss-of-function variants in MTOR cause disease. This variant is not present in population databases (gnomAD no frequency). This variant has not been reported in the literature in individuals affected with MTOR-related conditions. In summary, the available evidence is currently insufficient to determine the role of this variant in disease. Therefore, it has been classified as a Variant of Uncertain Significance.